The following is an entry in ClinVar:

NM_018426.3(TMEM63B):c.1442C>T (p.Thr481Ile)

Gene: TMEM63B (transmembrane protein 63B; plus strand). Cytogenetic location: 6p21.1.
Variant type: single nucleotide variant.
Coding change: c.1442C>T on transcript NM_018426.3 (MANE Select); coding-DNA position 1442, C replaced by T.
Protein change: p.Thr481Ile; replaces threonine 481 with isoleucine.
Molecular consequence: missense variant.
Genome position (GRCh38, 1-based): chr6:44,149,887, C>T. VCF-style: chr6-44149887-C-T. GRCh37 (hg19) VCF-style: chr6-44117624-C-T.
Other names: c.1442C>T, p.Thr481Ile (NM_001318792.1); short protein forms T481I.
Identifiers: ClinVar variation 3367518 (VCV003367518.1).
Genomic context (GRCh38, chr6:44,149,887, plus strand): 5'-CCTGCCTGACGCCCCCCTGTGCCCTGCTGCAGAACCCCATCATCACCCAGTTCTTCCCCA[C>T]CCTGCTGCTGTGGTGCTTCTCGGCCCTCCTTCCCACCATCGTCTACTACTCAGCCTTCTT-3'
Protein context (NP_060896.1, residues 471-491): NNPIITQFFP[Thr481Ile]LLLWCFSALL

ClinVar aggregate classification (germline): Uncertain significance (1 of 4 stars; one submission).

Submission:

GeneDx
Classification: Uncertain significance. Last evaluated: 2024-01-01. Review status: criteria provided, single submitter. Criteria: GeneDx Variant Classification Process June 2021. Collection method: clinical testing. Allele origin: germline. Affected: yes.
Comment: Not observed at significant frequency in large population cohorts (gnomAD); In silico analysis supports that this missense variant has a deleterious effect on protein structure/function; Has not been previously published as pathogenic or benign to our knowledge